The following is an entry in ClinVar:

NM_000277.3(PAH):c.1048T>A (p.Ser350Thr)

Gene: PAH (phenylalanine hydroxylase; minus strand). Cytogenetic location: 12q23.2.
Variant type: single nucleotide variant.
Coding change: c.1048T>A on transcript NM_000277.3 (MANE Select); coding-DNA position 1048, T replaced by A.
Protein change: p.Ser350Thr; replaces serine 350 with threonine.
Molecular consequence: missense variant.
Genome position (GRCh38, 1-based): chr12:102,844,353, A>T on the plus strand (T>A on the coding strand, the complement: PAH is on the minus strand). VCF-style: chr12-102844353-A-T. GRCh37 (hg19) VCF-style: chr12-103238131-A-T.
Other names: c.1048T>A, p.Ser350Thr (NM_001354304.2); short protein forms S350T.
Identifiers: ClinVar variation 102494 (VCV000102494.2), dbSNP rs62517183, ClinGen allele CA229304.

ClinVar aggregate classification (germline): Likely pathogenic. Review status: reviewed by expert panel (3 of 4 stars). 2 submissions from 2 submitters: Likely pathogenic (1). 1 of the submissions does not count toward it. Last evaluated 2021-02-16.

Conditions:
Phenylketonuria (PKU). Also called: Phenylketonuria (PKU); FOLLING DISEASE; OLIGOPHRENIA PHENYLPYRUVICA; Phenylketonurias. Identifiers: Orphanet 716, MedGen C0031485, MONDO:0009861, OMIM 261600. Disease mechanism: loss of function.

Submissions (2):

ClinGen PAH Variant Curation Expert Panel
Classification: Likely pathogenic for Phenylketonuria. Last evaluated: 2021-02-16. Review status: reviewed by expert panel. Criteria: ClinGen PAH ACMG Specifications v1. Collection method: curation. Allele origin: germline. Inheritance: Autosomal recessive inheritance.
Comment: The c.1048T>A (p.Ser350Thr) variant in PAH has been reported in 1 individual with classic PKU and BH4 deficiency excluded (PMID: 9634518). This variant is absent in population databases. Computational evidence supports a deleterious effect. A different pathogenic missense change (p.Ser350Tyr) has been seen at the same amino acid. In summary, this variant meets criteria to be classified as likely pathogenic for PAH. PAH-specific ACMG/AMP criteria applied: PP4_Moderate, PM2, PM5, PP3.

DeBelle Laboratory for Biochemical Genetics, MUHC/MCH RESEARCH INSTITUTE
No classification provided. Review status: no classification provided. Collection method: not provided. Allele origin: not provided. Not counted in ClinVar's aggregate classification.

Literature cited by the submitters: PubMed 9634518 (cited by ClinGen PAH Variant Curation Expert Panel).